The following is an entry in ClinVar:

NM_000465.4(BARD1):c.136A>G (p.Lys46Glu)

Gene: BARD1 (BRCA1 associated RING domain 1; minus strand). Cytogenetic location: 2q35.
Variant type: single nucleotide variant.
Coding change: c.136A>G on transcript NM_000465.4 (MANE Select); coding-DNA position 136, A replaced by G.
Protein change: p.Lys46Glu; replaces lysine 46 with glutamic acid.
Molecular consequence: missense variant. On other transcripts: non-coding transcript variant (3).
Genome position (GRCh38, 1-based): chr2:214,809,434, T>C on the plus strand (A>G on the coding strand, the complement: BARD1 is on the minus strand). VCF-style: chr2-214809434-T-C. GRCh37 (hg19) VCF-style: chr2-215674158-T-C.
Other names: c.136A>G, p.Lys46Glu (NM_001282543.2, NM_001282545.2, NM_001282548.2 and 1 more transcripts); short protein forms K46E.
Identifiers: ClinVar variation 1319417 (VCV001319417.13), dbSNP rs1426560516, ClinGen allele CA350464853.

ClinVar aggregate classification (germline): Uncertain significance. Review status: criteria provided, multiple submitters, no conflicts (2 of 4 stars). 3 submissions from 3 submitters: Uncertain significance (3). Last evaluated 2024-11-22.

Conditions:
Hereditary cancer-predisposing syndrome. Also called: Hereditary neoplastic syndrome; Neoplastic Syndromes, Hereditary; Tumor predisposition; Hereditary Cancer Syndrome. Identifiers: Orphanet 140162, MedGen C0027672, MeSH D009386, MONDO:0015356.
Familial cancer of breast. Also called: Hereditary breast cancer; hereditary breast carcinoma; BREAST CANCER, FAMILIAL. Identifiers: Orphanet 227535, MedGen C0346153, MONDO:0016419, OMIM 114480. Disease mechanism: loss of function.

Allele frequency attached by ClinVar (database versions not stated): gnomAD exomes below 0.00001.
gnomAD v4.1: 1 of 1,612,050 alleles (0.000062%); highest among the groups gnomAD compares: South Asian, 0.0011%; no homozygotes.

Submissions (3):

Ambry Genetics
Classification: Uncertain significance for Hereditary cancer-predisposing syndrome. Last evaluated: 2024-11-22. Review status: criteria provided, single submitter. Criteria: Ambry Variant Classification Scheme 2023. Collection method: clinical testing. Allele origin: germline.
Comment: The p.K46E variant (also known as c.136A>G), located in coding exon 1 of the BARD1 gene, results from an A to G substitution at nucleotide position 136. The lysine at codon 46 is replaced by glutamic acid, an amino acid with similar properties. This amino acid position is not well conserved in available vertebrate species. In addition, this alteration is predicted to be tolerated by in silico analysis. Based on the available evidence, the clinical significance of this variant remains unclear.

Labcorp Genetics (formerly Invitae), Labcorp
Classification: Uncertain significance for Familial cancer of breast. Last evaluated: 2024-04-10. Review status: criteria provided, single submitter. Criteria: Invitae Variant Classification Sherloc (09022015). Collection method: clinical testing. Allele origin: germline.
Comment: This sequence change replaces lysine, which is basic and polar, with glutamic acid, which is acidic and polar, at codon 46 of the BARD1 protein (p.Lys46Glu). This variant is present in population databases (no rsID available, gnomAD 0.003%). This variant has not been reported in the literature in individuals affected with BARD1-related conditions. ClinVar contains an entry for this variant (Variation ID: 1319417). An algorithm developed to predict the effect of missense changes on protein structure and function (PolyPhen-2) suggests that this variant is likely to be tolerated. In summary, the available evidence is currently insufficient to determine the role of this variant in disease. Therefore, it has been classified as a Variant of Uncertain Significance.

Institute for Clinical Genetics, University Hospital TU Dresden, University Hospital TU Dresden
Classification: Uncertain significance. Last evaluated: 2021-11-03. Review status: criteria provided, single submitter. Criteria: ACMG Guidelines, 2015. Collection method: clinical testing. Allele origin: germline.